The following is an entry in ClinVar:

ClinVar aggregate classification (germline): Uncertain significance (1 of 4 stars; one submission).

Allele frequency attached by ClinVar (database versions not stated): TOPMed below 0.00001.

Submission:

Labcorp Genetics (formerly Invitae), Labcorp
Classification: Uncertain significance. Last evaluated: 2023-03-31. Review status: criteria provided, single submitter. Criteria: Invitae Variant Classification Sherloc (09022015). Collection method: clinical testing. Allele origin: germline.
Comment: In summary, the available evidence is currently insufficient to determine the role of this variant in disease. Therefore, it has been classified as a Variant of Uncertain Significance. Advanced modeling of protein sequence and biophysical properties (such as structural, functional, and spatial information, amino acid conservation, physicochemical variation, residue mobility, and thermodynamic stability) performed at Invitae indicates that this missense variant is not expected to disrupt DCHS1 protein function. This variant has not been reported in the literature in individuals affected with DCHS1-related conditions. This variant is not present in population databases (gnomAD no frequency). This sequence change replaces methionine, which is neutral and non-polar, with valine, which is neutral and non-polar, at codon 1810 of the DCHS1 protein (p.Met1810Val).

NM_003737.4(DCHS1):c.5428A>G (p.Met1810Val)

Gene: DCHS1 (dachsous cadherin-related 1; minus strand). Cytogenetic location: 11p15.4.
Variant type: single nucleotide variant.
Coding change: c.5428A>G on transcript NM_003737.4 (MANE Select); coding-DNA position 5428, A replaced by G.
Protein change: p.Met1810Val; replaces methionine 1810 with valine.
Molecular consequence: missense variant.
Genome position (GRCh38, 1-based): chr11:6,627,611, T>C on the plus strand (A>G on the coding strand, the complement: DCHS1 is on the minus strand). VCF-style: chr11-6627611-T-C. GRCh37 (hg19) VCF-style: chr11-6648842-T-C.
Other names: short protein forms M1810V.
Identifiers: ClinVar variation 2851317 (VCV002851317.3), dbSNP rs1347182620, ClinGen allele CA379395022.